The following is an entry in ClinVar:

ClinVar aggregate classification (germline): Uncertain significance (1 of 4 stars; one submission).

Conditions:
Hereditary cancer-predisposing syndrome. Also called: Tumor predisposition; Neoplastic Syndromes, Hereditary; Hereditary Cancer Syndrome; Hereditary neoplastic syndrome. Identifiers: Orphanet 140162, MedGen C0027672, MeSH D009386, MONDO:0015356.

Submission:

Ambry Genetics
Classification: Uncertain significance for Hereditary cancer-predisposing syndrome. Last evaluated: 2024-11-22. Review status: criteria provided, single submitter. Criteria: Ambry Variant Classification Scheme 2023. Collection method: clinical testing. Allele origin: germline.
Comment: The p.A665S variant (also known as c.1993G>T), located in coding exon 13 of the CTNNA1 gene, results from a G to T substitution at nucleotide position 1993. The alanine at codon 665 is replaced by serine, an amino acid with similar properties. This amino acid position is conserved. In addition, this alteration is predicted to be tolerated by in silico analysis. Based on the available evidence, the clinical significance of this variant remains unclear.

NM_001903.5(CTNNA1):c.1993G>T (p.Ala665Ser)

Gene: CTNNA1 (catenin alpha 1; plus strand). Cytogenetic location: 5q31.2.
Variant type: single nucleotide variant.
Coding change: c.1993G>T on transcript NM_001903.5 (MANE Select); coding-DNA position 1993, G replaced by T.
Protein change: p.Ala665Ser; replaces alanine 665 with serine.
Molecular consequence: missense variant.
Genome position (GRCh38, 1-based): chr5:138,929,339, G>T. VCF-style: chr5-138929339-G-T. GRCh37 (hg19) VCF-style: chr5-138265028-G-T.
Other names: c.883G>T, p.Ala295Ser (NM_001323998.1, NM_001323999.1, NM_001324000.1 and 17 more transcripts); c.544G>T, p.Ala182Ser (NM_001324006.1, NM_001324007.1, NM_001324008.1 and 2 more transcripts); c.790G>T, p.Ala264Ser (NM_001324011.1); c.640G>T, p.Ala214Ser (NM_001324012.1, NM_001324013.1); c.1993G>T, p.Ala665Ser (NM_001290307.3, NM_001323982.2, NM_001323983.1 and 2 more transcripts); c.1684G>T, p.Ala562Ser (NM_001290309.3); c.1624G>T, p.Ala542Ser (NM_001290310.3); c.1900G>T, p.Ala634Ser (NM_001323986.2); short protein forms A214S, A264S, A542S, A562S, A634S, A182S, A295S, A665S.
Identifiers: ClinVar variation 3498272 (VCV003498272.1).